The following is an entry in ClinVar:

NM_001621.5(AHR):c.774A>G (p.Ile258Met)

Gene: AHR (aryl hydrocarbon receptor; plus strand). Cytogenetic location: 7p21.1.
Variant type: single nucleotide variant.
Coding change: c.774A>G on transcript NM_001621.5 (MANE Select); coding-DNA position 774, A replaced by G.
Protein change: p.Ile258Met; replaces isoleucine 258 with methionine.
Molecular consequence: missense variant.
Genome position (GRCh38, 1-based): chr7:17,333,980, A>G. VCF-style: chr7-17333980-A-G. GRCh37 (hg19) VCF-style: chr7-17373604-A-G.
Other names: short protein forms I258M.
Identifiers: ClinVar variation 2089631 (VCV002089631.4), dbSNP rs2534440403, ClinGen allele CA366892081.

ClinVar aggregate classification (germline): Uncertain significance (1 of 4 stars; one submission).

Submission:

Labcorp Genetics (formerly Invitae), Labcorp
Classification: Uncertain significance. Last evaluated: 2026-01-26. Review status: criteria provided, single submitter. Criteria: Invitae Variant Classification Sherloc (09022015). Collection method: clinical testing. Allele origin: germline.
Comment: This sequence change replaces isoleucine, which is neutral and non-polar, with methionine, which is neutral and non-polar, at codon 258 of the AHR protein (p.Ile258Met). This variant is not present in population databases (gnomAD no frequency). This variant has not been reported in the literature in individuals affected with AHR-related conditions. ClinVar contains an entry for this variant (Variation ID: 2089631). An algorithm developed to predict the effect of missense changes on protein structure and function outputs the following: PolyPhen-2: "Benign". The methionine amino acid residue is found in multiple mammalian species, which suggests that this missense change does not adversely affect protein function. In summary, the available evidence is currently insufficient to determine the role of this variant in disease. Therefore, it has been classified as a Variant of Uncertain Significance.